The following is an entry in ClinVar:

ClinVar aggregate classification (germline): Uncertain significance (1 of 4 stars; one submission).

Conditions:
Lethal congenital glycogen storage disease of heart. Also called: PHOSPHORYLASE KINASE DEFICIENCY OF HEART; GLYCOGEN STORAGE DISEASE OF HEART. Identifiers: Orphanet 439854, MedGen C1849813, MONDO:0009867, OMIM 261740.

Submission:

Labcorp Genetics (formerly Invitae), Labcorp
Classification: Uncertain significance for Lethal congenital glycogen storage disease of heart. Last evaluated: 2022-04-12. Review status: criteria provided, single submitter. Criteria: Invitae Variant Classification Sherloc (09022015). Collection method: clinical testing. Allele origin: germline.
Comment: This sequence change affects the initiator methionine of the PRKAG2 mRNA. The next in-frame methionine is located at codon 6. This variant is not present in population databases (gnomAD no frequency). This variant has not been reported in the literature in individuals affected with PRKAG2-related conditions. Experimental studies and prediction algorithms are not available or were not evaluated, and the functional significance of this variant is currently unknown. In summary, the available evidence is currently insufficient to determine the role of this variant in disease. Therefore, it has been classified as a Variant of Uncertain Significance.

NM_016203.4(PRKAG2):c.1A>G (p.Met1Val)

Gene: PRKAG2 (protein kinase AMP-activated non-catalytic subunit gamma 2; minus strand). Cytogenetic location: 7q36.1.
Variant type: single nucleotide variant.
Coding change: c.1A>G on transcript NM_016203.4 (MANE Select); coding-DNA position 1, A replaced by G.
Protein change: p.Met1Val; changes the start codon (methionine 1).
Molecular consequence: missense variant, initiator codon variant.
Genome position (GRCh38, 1-based): chr7:151,876,620, T>C on the plus strand (A>G on the coding strand, the complement: PRKAG2 is on the minus strand). VCF-style: chr7-151876620-T-C. GRCh37 (hg19) VCF-style: chr7-151573705-T-C.
Other names: c.1A>G, p.Met1Val (NM_001407021.1, NM_001407022.1, NM_001407023.1 and 2 more transcripts); short protein forms M1V.
Identifiers: ClinVar variation 2125519 (VCV002125519.5), dbSNP rs2485880150, ClinGen allele CA370072081.